The following is an entry in ClinVar:

ClinVar aggregate classification (germline): Conflicting classifications of pathogenicity. Review status: criteria provided, conflicting classifications (1 of 4 stars). 3 submissions from 3 submitters: Pathogenic (1); Likely pathogenic (1); Uncertain significance (1). Last evaluated 2026-02-27.

Conditions:
Autosomal recessive limb-girdle muscular dystrophy type 2B (LGMDR2). Also called: MUSCULAR DYSTROPHY, LIMB-GIRDLE, AUTOSOMAL RECESSIVE 2; Limb-Girdle Muscular Dystrophy Type 2B (LGMD2B); Limb-girdle muscular dystrophy, type 2B; MUSCULAR DYSTROPHY, LIMB-GIRDLE, TYPE 3. Identifiers: Orphanet 268, MedGen C1850889, MONDO:0009676, OMIM 253601.

Allele frequency attached by ClinVar (database versions not stated): gnomAD below 0.00001 and 0.00001; gnomAD exomes below 0.00001.

Submissions (3):

Institute of Medical Genetics and Applied Genomics, University Hospital Tübingen
Classification: Likely pathogenic for Autosomal recessive limb-girdle muscular dystrophy type 2B. Last evaluated: 2026-02-27. Review status: criteria provided, single submitter. Criteria: ACMG Guidelines, 2015. Collection method: clinical testing. Allele origin: germline. Inheritance: Autosomal recessive inheritance. Affected: yes.

Human Genome Lab, NIMHANS, National Institute of Mental Health and Neuro Sciences
Classification: Pathogenic for Autosomal recessive limb-girdle muscular dystrophy type 2B. Last evaluated: 2021-08-23. Review status: criteria provided, single submitter. Criteria: ACMG Guidelines, 2015. Collection method: clinical testing. Allele origin: unknown. Inheritance: Autosomal recessive inheritance. Affected: yes. Observed: 1 homozygote.
Comment: The p.Gly981= variant in DYSF has been observed in homozygous state in two individuals with clinically suspected Autosomal recessive limb-girdle muscular dystrophy type 2B which is an autosomal recessive disorder. The variant is novel (not observed in any individuals in 1KG and our inhouse database). This variant is observed in 1/30,760 (0.0033%) alleles from individuals of gnomAD South Asian background in gnomAD only in heterozygous state. The p.Gly981= variant is predicted to introduce a novel donor splice site at this position by 3 of 4 splice site algorithms, resulting in a frameshift. For these reasons, this variant has been classified as Pathogenic.

Eurofins Ntd Llc (ga)
Classification: Uncertain significance. Last evaluated: 2015-09-23. Review status: criteria provided, single submitter. Criteria: EGL Classification Definitions 2015. Collection method: clinical testing. Allele origin: germline. Observed: 1 variant allele, 1 homozygote.

NM_001130987.2(DYSF):c.2943C>T (p.Gly981=)

Gene: DYSF (dysferlin; plus strand). Cytogenetic location: 2p13.2.
Variant type: single nucleotide variant.
Coding change: c.2943C>T on transcript NM_001130987.2 (MANE Select); coding-DNA position 2943, C replaced by T.
Protein change: p.Gly981=; no amino-acid change (glycine 981 retained).
Molecular consequence: synonymous variant.
Genome position (GRCh38, 1-based): chr2:71,569,898, C>T. VCF-style: chr2-71569898-C-T. GRCh37 (hg19) VCF-style: chr2-71797028-C-T.
Other names: c.2892C>T, p.Gly964= (NM_001130455.2, NM_001130983.2); c.2847C>T, p.Gly949= (NM_001130976.2, NM_001130977.2); c.2889C>T, p.Gly963= (NM_001130978.2, NM_003494.4); c.2982C>T, p.Gly994= (NM_001130979.2); c.2940C>T, p.Gly980= (NM_001130980.2, NM_001130981.2); c.2985C>T, p.Gly995= (NM_001130982.2); c.2850C>T, p.Gly950= (NM_001130984.2, NM_001130986.2); c.2943C>T, p.Gly981= (NM_001130985.2).
Identifiers: ClinVar variation 283479 (VCV000283479.8), dbSNP rs886042637, ClinGen allele CA10604507.